The following is an entry in ClinVar:

NM_001001557.4(GDF6):c.1008G>A (p.Thr336=)

Gene: GDF6 (growth differentiation factor 6; minus strand). Cytogenetic location: 8q22.1.
Variant type: single nucleotide variant.
Coding change: c.1008G>A on transcript NM_001001557.4 (MANE Select); coding-DNA position 1008, G replaced by A.
Protein change: p.Thr336=; no amino-acid change (threonine 336 retained).
Molecular consequence: synonymous variant.
Genome position (GRCh38, 1-based): chr8:96,144,923, C>T on the plus strand (G>A on the coding strand, the complement: GDF6 is on the minus strand). VCF-style: chr8-96144923-C-T. GRCh37 (hg19) VCF-style: chr8-97157151-C-T.
Identifiers: ClinVar variation 2935539 (VCV002935539.5), dbSNP rs535049986, ClinGen allele CA4815379.

ClinVar aggregate classification (germline): Likely benign. Review status: criteria provided, multiple submitters, no conflicts (2 of 4 stars). 3 submissions from 3 submitters: Likely benign (3). Last evaluated 2024-06-12.

Conditions:
Isolated microphthalmia 4. Identifiers: Orphanet 2542, MedGen C2751307, MONDO:0013130, OMIM 613094.
Klippel-Feil syndrome 1, autosomal dominant (KFS1). Also called: CERVICAL VERTEBRAL FUSION, AUTOSOMAL DOMINANT. Identifiers: Orphanet 2345, MedGen C1861689, MONDO:0007306, OMIM 118100.
Microphthalmia, isolated, with coloboma 6 (MCOPCB6). Also called: Microphthalmia with coloboma 6, digenic; Microphthalmia with coloboma 6; MICROPHTHALMIA/COLOBOMA 6. Identifiers: Orphanet 98938, MedGen C3150968, MONDO:0013376, OMIM 613703.
Leber congenital amaurosis 17 (LCA17). Identifiers: Orphanet 65, MedGen C3715164, MONDO:0014145, OMIM 615360.

Allele frequency attached by ClinVar (database versions not stated): gnomAD exomes 0.00002; gnomAD 0.00003; ExAC 0.00012; 1000 Genomes Project 30x 0.00016; 1000 Genomes Project 0.00020.
gnomAD v4.1: 39 of 1,600,646 alleles (0.0024%); highest among the groups gnomAD compares: Non-Finnish European, 0.002%; no homozygotes.

Submissions (3):

Labcorp Genetics (formerly Invitae), Labcorp
Classification: Likely benign for Isolated microphthalmia 4; Leber congenital amaurosis 17; Klippel-Feil syndrome 1, autosomal dominant; Microphthalmia, isolated, with coloboma 6. Last evaluated: 2024-06-12. Review status: criteria provided, single submitter. Criteria: Invitae Variant Classification Sherloc (09022015). Collection method: clinical testing. Allele origin: germline.

Women's Health and Genetics/Laboratory Corporation of America, LabCorp
Classification: Likely benign. Last evaluated: 2024-05-17. Review status: criteria provided, single submitter. Criteria: LabCorp Variant Classification Summary - May 2015. Collection method: clinical testing. Allele origin: germline.
Comment: Variant summary: GDF6 c.1008G>A alters a non-conserved nucleotide resulting in a synonymous change. Consensus agreement among computation tools predict no significant impact on normal splicing. However, these predictions have yet to be confirmed by functional studies. The variant allele was found at a frequency of 4.6e-05 in 218426 control chromosomes. The available data on variant occurrences in the general population are insufficient to allow any conclusion about variant significance. To our knowledge, no occurrence of c.1008G>A in individuals affected with GDF6-Related Disorders and no experimental evidence demonstrating its impact on protein function have been reported. ClinVar contains an entry for this variant (Variation ID: 2935539). Based on the evidence outlined above, the variant was classified as likely benign.

Blueprint Genetics
Classification: Likely benign. Last evaluated: 2023-09-14. Review status: criteria provided, single submitter. Criteria: ACMG Guidelines, 2015. Collection method: clinical testing. Allele origin: germline.